The following is an entry in ClinVar:

NM_017841.4(SDHAF2):c.430G>C (p.Ala144Pro)

Gene: SDHAF2 (succinate dehydrogenase complex assembly factor 2; plus strand). Cytogenetic location: 11q12.2.
Variant type: single nucleotide variant.
Coding change: c.430G>C on transcript NM_017841.4 (MANE Select); coding-DNA position 430, G replaced by C.
Protein change: p.Ala144Pro; replaces alanine 144 with proline.
Molecular consequence: missense variant.
Genome position (GRCh38, 1-based): chr11:61,446,000, G>C. VCF-style: chr11-61446000-G-C. GRCh37 (hg19) VCF-style: chr11-61213472-G-C.
Other names: short protein forms A144P.
Identifiers: ClinVar variation 3717061 (VCV003717061.3).

ClinVar aggregate classification (germline): Uncertain significance. Review status: criteria provided, multiple submitters, no conflicts (2 of 4 stars). 2 submissions from 2 submitters: Uncertain significance (2). Last evaluated 2025-05-18.

Conditions:
Hereditary pheochromocytoma and paraganglioma. Also called: Hereditary paragangliomas and pheochromocytomas; Hereditary Paraganglioma-Pheochromocytoma Syndromes; Hereditary pheochromocytoma-paraganglioma. Identifiers: Orphanet 29072, MedGen C4274332, MONDO:0017366.
Hereditary cancer-predisposing syndrome. Also called: Tumor predisposition; Hereditary Cancer Syndrome; Neoplastic Syndromes, Hereditary; Hereditary neoplastic syndrome. Identifiers: Orphanet 140162, MedGen C0027672, MeSH D009386, MONDO:0015356.

gnomAD v4.1: 1 of 1,614,180 alleles (0.000062%); highest among the groups gnomAD compares: Admixed American, 0.0017%; no homozygotes.

Submissions (2):

Ambry Genetics
Classification: Uncertain significance for Hereditary cancer-predisposing syndrome. Last evaluated: 2025-05-18. Review status: criteria provided, single submitter. Criteria: Ambry Variant Classification Scheme 2023. Collection method: clinical testing. Allele origin: germline.
Comment: The p.A144P variant (also known as c.430G>C), located in coding exon 4 of the SDHAF2 gene, results from a G to C substitution at nucleotide position 430. The alanine at codon 144 is replaced by proline, an amino acid with highly similar properties. This amino acid position is conserved. In addition, the in silico prediction for this alteration is inconclusive. Based on the available evidence, the clinical significance of this variant remains unclear.

Labcorp Genetics (formerly Invitae), Labcorp
Classification: Uncertain significance for Hereditary pheochromocytoma and paraganglioma. Last evaluated: 2024-11-24. Review status: criteria provided, single submitter. Criteria: Invitae Variant Classification Sherloc (09022015). Collection method: clinical testing. Allele origin: germline.
Comment: This sequence change replaces alanine, which is neutral and non-polar, with proline, which is neutral and non-polar, at codon 144 of the SDHAF2 protein (p.Ala144Pro). This variant is present in population databases (no rsID available, gnomAD 0.003%). This variant has not been reported in the literature in individuals affected with SDHAF2-related conditions. An algorithm developed to predict the effect of missense changes on protein structure and function (PolyPhen-2) suggests that this variant is likely to be disruptive. In summary, the available evidence is currently insufficient to determine the role of this variant in disease. Therefore, it has been classified as a Variant of Uncertain Significance.